The following is an entry in ClinVar:

NM_017635.5(KMT5B):c.856_857delinsTC (p.Arg286Ser)

Gene: KMT5B (lysine methyltransferase 5B; minus strand). Cytogenetic location: 11q13.2.
Variant type: Indel.
Coding change: c.856_857delinsTC on transcript NM_017635.5 (MANE Select); coding-DNA positions 856 to 857, CG replaced by TC.
Protein change: p.Arg286Ser; replaces arginine 286 with serine.
Molecular consequence: missense variant. On other transcripts: non-coding transcript variant (3).
Genome position (GRCh38, 1-based): chr11:68,171,135-68,171,136, CG replaced by GA on the plus strand (CG replaced by TC on the coding strand, the reverse complement: KMT5B is on the minus strand). VCF-style: chr11-68171135-CG-GA. GRCh37 (hg19) VCF-style: chr11-67938602-CG-GA.
Other names: c.340_341delinsTC, p.Arg114Ser (NM_001300907.1, NM_001369424.1, NM_001369428.1 and 5 more transcripts); c.136_137delinsTC, p.Arg46Ser (NM_001300908.2); c.787_788delinsTC, p.Arg263Ser (NM_001300909.2); c.856_857delinsTC, p.Arg286Ser (NM_001363566.2, NM_001369426.1, NM_001369427.1 and 1 more transcripts); c.643_644delinsTC, p.Arg215Ser (NM_001369425.1); short protein forms R114S, R215S, R263S, R286S, R46S.
Identifiers: ClinVar variation 1697154 (VCV001697154.2), dbSNP rs2153051950, ClinGen allele CA2580084656.

ClinVar aggregate classification (germline): Uncertain significance (1 of 4 stars; one submission).

Submission:

GeneDx
Classification: Uncertain significance. Last evaluated: 2022-01-17. Review status: criteria provided, single submitter. Criteria: GeneDx Variant Classification Process June 2021. Collection method: clinical testing. Allele origin: germline. Affected: yes.
Comment: Not observed at significant frequency in large population cohorts (gnomAD); In silico analysis supports a deleterious effect on protein structure/function; In silico analysis also suggests this variant may impact gene splicing; however, in the absence of RNA/functional studies, the actual effect of this sequence change is unknown.; Has not been previously published as pathogenic or benign to our knowledge